The following is an entry in ClinVar:

ClinVar aggregate classification (germline): Benign. Review status: criteria provided, multiple submitters, no conflicts (2 of 4 stars). 4 submissions from 4 submitters: Benign (4). Last evaluated 2023-04-11.

Conditions:
Intellectual developmental disorder, autosomal dominant 52. Also called: Intellectual disability, autosomal dominant 52; Mental retardation, autosomal dominant 52. Identifiers: MedGen C4540478, MONDO:0030918, OMIM 617796.

Allele frequency attached by ClinVar (database versions not stated): gnomAD exomes 0.00201 and 0.00522; 1000 Genomes Project 30x 0.01921; gnomAD 0.02067 and 0.02209; ESP Exome Variant Server 0.02314; 1000 Genomes Project 0.02057; TOPMed 0.02322; ExAC 0.00660.
gnomAD v4.1: 6,221 of 1,614,158 alleles (0.39%); highest among the groups gnomAD compares: African/African-American, 7.3%; 202 homozygotes.

Submissions (4):

Genome-Nilou Lab
Classification: Benign for Intellectual developmental disorder, autosomal dominant 52. Last evaluated: 2023-04-11. Review status: criteria provided, single submitter. Criteria: ACMG Guidelines, 2015. Collection method: clinical testing. Allele origin: germline. Affected: no.

GeneDx
Classification: Benign. Last evaluated: 2020-07-14. Review status: criteria provided, single submitter. Criteria: GeneDx Variant Classification Process June 2021. Collection method: clinical testing. Allele origin: germline. Affected: yes.
Comment: This variant is associated with the following publications: (PMID: 31673123)

Labcorp Genetics (formerly Invitae), Labcorp
Classification: Benign. Last evaluated: 2019-12-31. Review status: criteria provided, single submitter. Criteria: Invitae Variant Classification Sherloc (09022015). Collection method: clinical testing. Allele origin: germline.

Breakthrough Genomics
Classification: Benign. Review status: criteria provided, single submitter. Criteria: ACMG Guidelines, 2015. Collection method: not provided. Allele origin: germline. Inheritance: Autosomal dominant inheritance. Affected: yes.

NM_018489.3(ASH1L):c.1318T>G (p.Cys440Gly)

Gene: ASH1L (ASH1 like histone lysine methyltransferase; minus strand). Cytogenetic location: 1q22.
Variant type: single nucleotide variant.
Coding change: c.1318T>G on transcript NM_018489.3 (MANE Select); coding-DNA position 1318, T replaced by G.
Protein change: p.Cys440Gly; replaces cysteine 440 with glycine.
Molecular consequence: missense variant.
Genome position (GRCh38, 1-based): chr1:155,481,552, A>C on the plus strand (T>G on the coding strand, the complement: ASH1L is on the minus strand). VCF-style: chr1-155481552-A-C. GRCh37 (hg19) VCF-style: chr1-155451343-A-C.
Other names: c.1318T>G, p.Cys440Gly (NM_001366177.2); short protein forms C440G.
Identifiers: ClinVar variation 780261 (VCV000780261.7), dbSNP rs114218266, ClinGen allele CA1147373.